The following is an entry in ClinVar:

ClinVar aggregate classification (germline): Uncertain significance (1 of 4 stars; one submission).

Submission:

Labcorp Genetics (formerly Invitae), Labcorp
Classification: Uncertain significance. Last evaluated: 2025-10-11. Review status: criteria provided, single submitter. Criteria: Invitae Variant Classification Sherloc (09022015). Collection method: clinical testing. Allele origin: germline.
Comment: This sequence change replaces methionine, which is neutral and non-polar, with isoleucine, which is neutral and non-polar, at codon 43 of the TNFAIP3 protein (p.Met43Ile). This variant is not present in population databases (gnomAD no frequency). This variant has not been reported in the literature in individuals affected with TNFAIP3-related conditions. Invitae Evidence Modeling of protein sequence and biophysical properties (such as structural, functional, and spatial information, amino acid conservation, physicochemical variation, residue mobility, and thermodynamic stability) indicates that this missense variant is not expected to disrupt TNFAIP3 protein function with a negative predictive value of 80%. In summary, the available evidence is currently insufficient to determine the role of this variant in disease. Therefore, it has been classified as a Variant of Uncertain Significance.

NM_001270508.2(TNFAIP3):c.129G>A (p.Met43Ile)

Gene: TNFAIP3 (TNF alpha induced protein 3; plus strand). Cytogenetic location: 6q23.3.
Variant type: single nucleotide variant.
Coding change: c.129G>A on transcript NM_001270508.2 (MANE Select); coding-DNA position 129, G replaced by A.
Protein change: p.Met43Ile; replaces methionine 43 with isoleucine.
Molecular consequence: missense variant.
Genome position (GRCh38, 1-based): chr6:137,871,356, G>A. VCF-style: chr6-137871356-G-A. GRCh37 (hg19) VCF-style: chr6-138192493-G-A.
Other names: c.129G>A, p.Met43Ile (NM_001270507.2, NM_006290.4); short protein forms M43I.
Identifiers: ClinVar variation 4742697 (VCV004742697.1).